The following is an entry in ClinVar:

ClinVar aggregate classification (germline): Uncertain significance. Review status: criteria provided, multiple submitters, no conflicts (2 of 4 stars). 2 submissions from 2 submitters: Uncertain significance (2). Last evaluated 2023-12-22.

Conditions:
Inborn genetic diseases. Identifiers: MedGen C0950123, MeSH D030342.

Allele frequency attached by ClinVar (database versions not stated): ExAC 0.00001; gnomAD exomes 0.00001; gnomAD 0.00005; TOPMed 0.00006; ESP Exome Variant Server 0.00008.
gnomAD v4.1: 11 of 1,614,094 alleles (0.00068%); highest among the groups gnomAD compares: Admixed American, 0.017%; no homozygotes.

Submissions (2):

Ambry Genetics
Classification: Uncertain significance for Inborn genetic diseases. Last evaluated: 2023-12-22. Review status: criteria provided, single submitter. Criteria: Ambry Variant Classification Scheme 2023. Collection method: clinical testing. Allele origin: germline.

Labcorp Genetics (formerly Invitae), Labcorp
Classification: Uncertain significance. Last evaluated: 2022-04-04. Review status: criteria provided, single submitter. Criteria: Invitae Variant Classification Sherloc (09022015). Collection method: clinical testing. Allele origin: germline.
Comment: In summary, the available evidence is currently insufficient to determine the role of this variant in disease. Therefore, it has been classified as a Variant of Uncertain Significance. Algorithms developed to predict the effect of missense changes on protein structure and function are either unavailable or do not agree on the potential impact of this missense change (SIFT: "Deleterious"; PolyPhen-2: "Probably Damaging"; Align-GVGD: "Class C0"). This variant has not been reported in the literature in individuals affected with CUL7-related conditions. This variant is not present in population databases (gnomAD no frequency). This sequence change replaces lysine, which is basic and polar, with threonine, which is neutral and polar, at codon 1332 of the CUL7 protein (p.Lys1332Thr).

NM_014780.5(CUL7):c.3995A>C (p.Lys1332Thr)

Gene: CUL7 (cullin 7; minus strand). Cytogenetic location: 6p21.1.
Variant type: single nucleotide variant.
Coding change: c.3995A>C on transcript NM_014780.5 (MANE Select); coding-DNA position 3995, A replaced by C.
Protein change: p.Lys1332Thr; replaces lysine 1332 with threonine.
Molecular consequence: missense variant.
Genome position (GRCh38, 1-based): chr6:43,040,558, T>G on the plus strand (A>C on the coding strand, the complement: CUL7 is on the minus strand). VCF-style: chr6-43040558-T-G. GRCh37 (hg19) VCF-style: chr6-43008296-T-G.
Other names: c.4091A>C, p.Lys1364Thr (NM_001168370.2, NM_001374872.1); c.3995A>C, p.Lys1332Thr (NM_001374873.1); c.3992A>C, p.Lys1331Thr (NM_001374874.1); c.3995A>C (NM_014780.4); short protein forms K1331T, K1332T, K1364T.
Identifiers: ClinVar variation 2191035 (VCV002191035.4), dbSNP rs151030955, ClinGen allele CA3813340.
Genomic context (GRCh38, chr6:43,040,558, plus strand): 5'-TCTTATTTGCTTATCCCTTCCAAGGCACTCACCTGTATTTTCTTCTCTGTATCCTCCAGC[T>G]TCAGGAGTTCCTGATCCAGCTGCTGGAGCTGGTAGACGTGGAACTGGCGCTGCAGCTCCT-3'
Protein context (NP_055595.2, residues 1322-1342): QLQQLDQELL[Lys1332Thr]LEDTEKKIQV